The following is an entry in ClinVar:

ClinVar aggregate classification (germline): Benign/Likely benign. Review status: criteria provided, single submitter (1 of 4 stars). 3 submissions from 1 submitter: Benign (2); Likely benign (1). Last evaluated 2018-01-12.

Conditions:
Myhre syndrome (MYHRS). Also called: LARYNGOTRACHEAL STENOSIS, ARTHROPATHY, PROGNATHISM, AND SHORT STATURE; LAPS SYNDROME. Identifiers: Orphanet 2588, MedGen C0796081, MONDO:0007688, OMIM 139210.
Juvenile polyposis/hereditary hemorrhagic telangiectasia syndrome (JPHT). Also called: JP/HHT SYNDROME; JUVENILE POLYPOSIS WITH HEREDITARY HEMORRHAGIC TELANGIECTASIA; POLYPOSIS, GENERALIZED JUVENILE, WITH PULMONARY ARTERIOVENOUS MALFORMATION; TELANGIECTASIA, HEREDITARY HEMORRHAGIC, WITH JUVENILE POLYPOSIS COLI; Juvenile Polyposis Syndrome / Hereditary Hemorrhagic Telangiectasia (JPS/HHT). Identifiers: Orphanet 2929, MedGen C1832942, MONDO:0008278, OMIM 175050.
Generalized juvenile polyposis/juvenile polyposis coli. Also called: Juvenile polyposis coli. Identifiers: Orphanet 329971, MedGen C1868081, MONDO:0008276.

Allele frequency attached by ClinVar (database versions not stated): 1000 Genomes Project 0.00319; 1000 Genomes Project 30x 0.00437; gnomAD 0.00515 and 0.00519; TOPMed 0.00553; gnomAD exomes 0.00790.
gnomAD v4.1: 1,423 of 232,288 alleles (0.61%); highest among the groups gnomAD compares: Middle Eastern, 1.7%; 8 homozygotes.

Submissions (4):

Illumina Laboratory Services, Illumina
Classification: Likely benign for Juvenile polyposis/hereditary hemorrhagic telangiectasia syndrome. Last evaluated: 2018-01-12. Review status: criteria provided, single submitter. Criteria: ICSL Variant Classification Criteria 13 December 2019. Collection method: clinical testing. Allele origin: germline.
Comment: This variant was observed in the ICSL laboratory as part of a predisposition screen in an ostensibly healthy population. It had not been previously curated by ICSL or reported in the Human Gene Mutation Database (HGMD: prior to June 1st, 2018), and was therefore a candidate for classification through an automated scoring system. Utilizing variant allele frequency, disease prevalence and penetrance estimates, and inheritance mode, an automated score was calculated to assess if this variant is too frequent to cause the disease. Based on the score and internal cut-off values, a variant classified as likely benign is not then subjected to further curation. The score for this variant resulted in a classification of likely benign for this disease.

Illumina Laboratory Services, Illumina
Classification: Benign for Juvenile polyposis syndrome. Last evaluated: 2018-01-12. Review status: criteria provided, single submitter. Criteria: ICSL Variant Classification Criteria 13 December 2019. Collection method: clinical testing. Allele origin: germline.
Comment: This variant was observed in the ICSL laboratory as part of a predisposition screen in an ostensibly healthy population. It had not been previously curated by ICSL or reported in the Human Gene Mutation Database (HGMD: prior to June 1st, 2018), and was therefore a candidate for classification through an automated scoring system. Utilizing variant allele frequency, disease prevalence and penetrance estimates, and inheritance mode, an automated score was calculated to assess if this variant is too frequent to cause the disease. Based on the score and internal cut-off values, a variant classified as benign is not then subjected to further curation. The score for this variant resulted in a classification of benign for this disease.

Illumina Laboratory Services, Illumina
Classification: Benign for Myhre syndrome. Last evaluated: 2018-01-12. Review status: criteria provided, single submitter. Criteria: ICSL Variant Classification Criteria 13 December 2019. Collection method: clinical testing. Allele origin: germline.
Comment: the same text as in the submission from Illumina Laboratory Services, Illumina above.

Dr. Peter K. Rogan Lab, Western University
No classification provided (evidence only). Condition: Ovarian serous cystadenocarcinoma. Review status: no classification provided. Collection method: in vitro. Allele origin: not applicable. Functional consequence: retained intron. Not counted in ClinVar's aggregate classification.

NM_005359.6(SMAD4):c.*3398A>G

Gene: SMAD4 (SMAD family member 4; plus strand). Cytogenetic location: 18q21.2.
Variant type: single nucleotide variant.
Coding change: c.*3398A>G on transcript NM_005359.6 (MANE Select); 3398 bases downstream of the stop codon, A replaced by G.
Molecular consequence: 3 prime UTR variant.
Genome position (GRCh38, 1-based): chr18:51,081,865, A>G. VCF-style: chr18-51081865-A-G. GRCh37 (hg19) VCF-style: chr18-48608235-A-G.
Other names: NC_000018.9:g.48608235A>G.
Identifiers: ClinVar variation 327156 (VCV000327156.6), dbSNP rs182735651, ClinGen allele CA10651776.
Genomic context (GRCh38, chr18:51,081,865, plus strand): 5'-ATCTTTGACTATGGTCATCTGGGGAAGGAAAATTTTACATTTTACTATTAATGCTCCTTA[A>G]GTGTCTATGGAGGTTAAAGAATAAAATGGTAAATGTTTCTGTGCCTGGTTTGATGGTAAC-3'